The following is an entry in ClinVar:

NM_007254.4(PNKP):c.731G>A (p.Gly244Glu)

Gene: PNKP (polynucleotide kinase 3'-phosphatase; minus strand). Cytogenetic location: 19q13.33.
Variant type: single nucleotide variant.
Coding change: c.731G>A on transcript NM_007254.4 (MANE Select); coding-DNA position 731, G replaced by A.
Protein change: p.Gly244Glu; replaces glycine 244 with glutamic acid.
Molecular consequence: missense variant.
Genome position (GRCh38, 1-based): chr19:49,863,977, C>T on the plus strand (G>A on the coding strand, the complement: PNKP is on the minus strand). VCF-style: chr19-49863977-C-T. GRCh37 (hg19) VCF-style: chr19-50367234-C-T.
Other names: c.731G>A (NM_007254.2); short protein forms G244E.
Identifiers: ClinVar variation 1422779 (VCV001422779.7), dbSNP rs777786941, ClinGen allele CA406884782.

ClinVar aggregate classification (germline): Uncertain significance. Review status: criteria provided, multiple submitters, no conflicts (2 of 4 stars). 2 submissions from 2 submitters: Uncertain significance (2). Last evaluated 2026-05-29.

Conditions:
Developmental and epileptic encephalopathy, 12 (DEE12). Identifiers: MedGen C3150988, MONDO:0013389, OMIM 613722.

Allele frequency attached by ClinVar (database versions not stated): TOPMed 0.00001.
gnomAD v4.1: 6 of 1,613,372 alleles (0.00037%); highest among the groups gnomAD compares: African/African-American, 0.0027%; no homozygotes.

Submissions (2):

GeneDx
Classification: Uncertain significance. Last evaluated: 2026-05-29. Review status: criteria provided, single submitter. Criteria: GeneDx Variant Classification Process June 2021. Collection method: clinical testing. Allele origin: germline.
Comment: Not observed at significant frequency in large population cohorts (gnomAD); In silico analysis supports that this missense variant has a deleterious effect on protein structure/function; Has not been previously published as pathogenic or benign to our knowledge; This variant is associated with the following publications: (PMID: 22508754)

Labcorp Genetics (formerly Invitae), Labcorp
Classification: Uncertain significance for Developmental and epileptic encephalopathy, 12. Last evaluated: 2021-08-27. Review status: criteria provided, single submitter. Criteria: Invitae Variant Classification Sherloc (09022015). Collection method: clinical testing. Allele origin: germline.
Comment: This sequence change replaces glycine with glutamic acid at codon 244 of the PNKP protein (p.Gly244Glu). The glycine residue is highly conserved and there is a moderate physicochemical difference between glycine and glutamic acid. This variant is not present in population databases (ExAC no frequency). This variant has not been reported in the literature in individuals affected with PNKP-related conditions. Algorithms developed to predict the effect of missense changes on protein structure and function are either unavailable or do not agree on the potential impact of this missense change (SIFT: "Deleterious"; PolyPhen-2: "Benign"; Align-GVGD: "Class C0"). In summary, the available evidence is currently insufficient to determine the role of this variant in disease. Therefore, it has been classified as a Variant of Uncertain Significance.